The following is an entry in ClinVar:

ClinVar aggregate classification (germline): Likely benign (1 of 4 stars; one submission).

gnomAD v4.1: 250 of 1,594,870 alleles (0.016%); highest among the groups gnomAD compares: Admixed American, 0.028%; 1 homozygote.

Submission:

CeGaT Center for Human Genetics Tuebingen
Classification: Likely benign. Last evaluated: 2025-09-01. Review status: criteria provided, single submitter. Criteria: CeGaT Center For Human Genetics Tuebingen Variant Classification Criteria Version 2. Collection method: clinical testing. Allele origin: germline. Affected: yes. Observed: 1 variant allele.
Comment: POLRMT: BP4

NM_005035.4(POLRMT):c.1446G>C (p.Met482Ile)

Gene: POLRMT (RNA polymerase mitochondrial; minus strand). Cytogenetic location: 19p13.3.
Variant type: single nucleotide variant.
Coding change: c.1446G>C on transcript NM_005035.4 (MANE Select); coding-DNA position 1446, G replaced by C.
Protein change: p.Met482Ile; replaces methionine 482 with isoleucine.
Molecular consequence: missense variant. On other transcripts: non-coding transcript variant (1).
Genome position (GRCh38, 1-based): chr19:622,830, C>G on the plus strand (G>C on the coding strand, the complement: POLRMT is on the minus strand). VCF-style: chr19-622830-C-G. GRCh37 (hg19) VCF-style: chr19-622830-C-G.
Other names: c.1446G>C, p.Met482Ile (NM_001407805.1, NM_001407806.1, NM_001407808.1 and 8 more transcripts); c.1434G>C, p.Met478Ile (NM_001407807.1, NM_001407810.1); c.1404G>C, p.Met468Ile (NM_001407811.1, NM_001407813.1); c.1122G>C, p.Met374Ile (NM_001407833.1, NM_001407834.1, NM_001407835.1 and 2 more transcripts); short protein forms M374I, M468I, M478I, M482I.
Identifiers: ClinVar variation 4280757 (VCV004280757.7).